The following is an entry in ClinVar:

ClinVar aggregate classification (germline): Benign. Review status: criteria provided, multiple submitters, no conflicts (2 of 4 stars). 2 submissions from 2 submitters: Benign (2). Last evaluated 2018-07-09.

Allele frequency attached by ClinVar (database versions not stated): gnomAD exomes 0.03712; ExAC 0.03971; 1000 Genomes Project 0.06490; gnomAD 0.06569 and 0.06877; TOPMed 0.06888; 1000 Genomes Project 30x 0.06949; ESP Exome Variant Server 0.06997.
gnomAD v4.1: 61,230 of 1,613,932 alleles (3.8%); highest among the groups gnomAD compares: African/African-American, 15%; 1,812 homozygotes.

Submissions (2):

GeneDx
Classification: Benign. Last evaluated: 2018-07-09. Review status: criteria provided, single submitter. Criteria: GeneDx Variant Classification Process June 2021. Collection method: clinical testing. Allele origin: germline. Affected: yes.
Comment: This variant is associated with the following publications: (PMID: 21217827, 19258517)

Breakthrough Genomics
Classification: Benign. Review status: criteria provided, single submitter. Criteria: ACMG Guidelines, 2015. Collection method: not provided. Allele origin: germline. Inheritance: Autosomal recessive inheritance. Affected: yes.

NM_001393392.1(AKR1C2):c.137T>A (p.Phe46Tyr)

Gene: AKR1C2 (aldo-keto reductase family 1 member C2; minus strand). Cytogenetic location: 10p15.1.
Variant type: single nucleotide variant.
Coding change: c.137T>A on transcript NM_001393392.1 (MANE Select); coding-DNA position 137, T replaced by A.
Protein change: p.Phe46Tyr; replaces phenylalanine 46 with tyrosine.
Molecular consequence: missense variant.
Genome position (GRCh38, 1-based): chr10:5,001,629, A>T on the plus strand (T>A on the coding strand, the complement: AKR1C2 is on the minus strand). VCF-style: chr10-5001629-A-T. GRCh37 (hg19) VCF-style: chr10-5043821-A-T.
Other names: c.137T>A, p.Phe46Tyr (NM_001135241.3, NM_001321027.2, NM_001354.6 and 1 more transcripts); short protein forms F46Y.
Identifiers: ClinVar variation 1297289 (VCV001297289.3), dbSNP rs2854482, ClinGen allele CA5390238.